The following is an entry in ClinVar:

NM_001358530.2(MOCS1):c.395G>A (p.Arg132Gln)

Gene: MOCS1 (molybdenum cofactor synthesis 1; minus strand). Cytogenetic location: 6p21.2.
Variant type: single nucleotide variant.
Coding change: c.395G>A on transcript NM_001358530.2 (MANE Select); coding-DNA position 395, G replaced by A.
Protein change: p.Arg132Gln; replaces arginine 132 with glutamine.
Molecular consequence: missense variant. On other transcripts: non-coding transcript variant (1).
Genome position (GRCh38, 1-based): chr6:39,925,701, C>T on the plus strand (G>A on the coding strand, the complement: MOCS1 is on the minus strand). VCF-style: chr6-39925701-C-T. GRCh37 (hg19) VCF-style: chr6-39893445-C-T.
Other names: c.395G>A, p.Arg132Gln (NM_001075098.4, NM_001358529.2, NM_005943.6); c.134G>A, p.Arg45Gln (NM_001358531.2, NM_001358533.2, NM_001358534.2); short protein forms R132Q, R45Q.
Identifiers: ClinVar variation 1376896 (VCV001376896.6), dbSNP rs887802302, ClinGen allele CA137654996.

ClinVar aggregate classification (germline): Uncertain significance. Review status: criteria provided, multiple submitters, no conflicts (2 of 4 stars). 3 submissions from 3 submitters: Uncertain significance (3). Last evaluated 2024-07-15.

Conditions:
Sulfite oxidase deficiency due to molybdenum cofactor deficiency type A. Also called: Molybdenum Cofactor Deficiency A; Molybdenum cofactor deficiency, complementation group A. Identifiers: Orphanet 308386, Orphanet 833, MedGen C1854988, MONDO:0009643, OMIM 252150.

Allele frequency attached by ClinVar (database versions not stated): gnomAD exomes 0.00001; TOPMed 0.00001; gnomAD 0.00002.

Submissions (3):

Labcorp Genetics (formerly Invitae), Labcorp
Classification: Uncertain significance for Sulfite oxidase deficiency due to molybdenum cofactor deficiency type A. Last evaluated: 2024-07-15. Review status: criteria provided, single submitter. Criteria: Invitae Variant Classification Sherloc (09022015). Collection method: clinical testing. Allele origin: germline.
Comment: This sequence change replaces arginine, which is basic and polar, with glutamine, which is neutral and polar, at codon 132 of the MOCS1 protein (p.Arg132Gln). This variant is not present in population databases (gnomAD no frequency). This variant has not been reported in the literature in individuals affected with MOCS1-related conditions. ClinVar contains an entry for this variant (Variation ID: 1376896). An algorithm developed to predict the effect of missense changes on protein structure and function (PolyPhen-2) suggests that this variant is likely to be disruptive. In summary, the available evidence is currently insufficient to determine the role of this variant in disease. Therefore, it has been classified as a Variant of Uncertain Significance.

Blueprint Genetics
Classification: Uncertain significance. Last evaluated: 2024-05-08. Review status: criteria provided, single submitter. Criteria: ACMG Guidelines, 2015. Collection method: clinical testing. Allele origin: germline.

Department of Pathology and Laboratory Medicine, Sinai Health System
Classification: Uncertain significance for sulfite oxidase deficiency due to molybdenum cofactor deficiency type A. Last evaluated: 2021-03-24. Review status: criteria provided, single submitter. Criteria: ACMG Guidelines, 2015. Collection method: research. Allele origin: germline.